The following is an entry in ClinVar:

ClinVar aggregate classification (germline): Uncertain significance. Review status: criteria provided, multiple submitters, no conflicts (2 of 4 stars). 3 submissions from 3 submitters: Uncertain significance (3). Last evaluated 2025-04-21.

Conditions:
Hypertrophic cardiomyopathy 10. Also called: CARDIOMYOPATHY, HYPERTROPHIC, MID-LEFT VENTRICULAR CHAMBER TYPE, 2; MYL2-Related Familial Hypertrophic Cardiomyopathy. Identifiers: MedGen C1834460, MONDO:0012112, OMIM 608758.
Cardiovascular phenotype. Identifiers: MedGen CN230736.

Allele frequency attached by ClinVar (database versions not stated): TOPMed below 0.00001.

Submissions (3):

Ambry Genetics
Classification: Uncertain significance for Cardiovascular phenotype. Last evaluated: 2025-04-21. Review status: criteria provided, single submitter. Criteria: Ambry Variant Classification Scheme 2023. Collection method: clinical testing. Allele origin: germline.
Comment: The p.T160S variant (also known as c.479C>G), located in coding exon 7 of the MYL2 gene, results from a C to G substitution at nucleotide position 479. The threonine at codon 160 is replaced by serine, an amino acid with similar properties. This variant was reported in individual(s) with features consistent with hypertrophic cardiomyopathy (McGurk KA et al. Am J Hum Genet, 2023 Sep;110:1482-1495). This amino acid position is highly conserved in available vertebrate species. In addition, the in silico prediction for this alteration is inconclusive. Based on the available evidence, the clinical significance of this variant remains unclear.

GeneDx
Classification: Uncertain significance. Last evaluated: 2025-03-19. Review status: criteria provided, single submitter. Criteria: GeneDx Variant Classification Process June 2021. Collection method: clinical testing. Allele origin: germline. Affected: yes.
Comment: Not observed at significant frequency in large population cohorts (gnomAD); In silico analysis supports that this missense variant has a deleterious effect on protein structure/function; This variant is associated with the following publications: (PMID: 37652022)

Labcorp Genetics (formerly Invitae), Labcorp
Classification: Uncertain significance for Hypertrophic cardiomyopathy 10. Last evaluated: 2025-02-18. Review status: criteria provided, single submitter. Criteria: Invitae Variant Classification Sherloc (09022015). Collection method: clinical testing. Allele origin: germline.
Comment: This sequence change replaces threonine, which is neutral and polar, with serine, which is neutral and polar, at codon 160 of the MYL2 protein (p.Thr160Ser). This variant is not present in population databases (gnomAD no frequency). This missense change has been observed in individual(s) with hypertrophic cardiomyopathy (PMID: 37652022). ClinVar contains an entry for this variant (Variation ID: 950065). An algorithm developed to predict the effect of missense changes on protein structure and function (PolyPhen-2) suggests that this variant is likely to be disruptive. In summary, the available evidence is currently insufficient to determine the role of this variant in disease. Therefore, it has been classified as a Variant of Uncertain Significance.

Literature cited by the submitters: PubMed 37652022 (cited by Ambry Genetics and Labcorp Genetics (formerly Invitae), Labcorp).

NM_000432.4(MYL2):c.479C>G (p.Thr160Ser)

Gene: MYL2 (myosin light chain 2; minus strand). Cytogenetic location: 12q24.11.
Variant type: single nucleotide variant.
Coding change: c.479C>G on transcript NM_000432.4 (MANE Select); coding-DNA position 479, C replaced by G.
Protein change: p.Thr160Ser; replaces threonine 160 with serine.
Molecular consequence: missense variant.
Genome position (GRCh38, 1-based): chr12:110,911,099, G>C on the plus strand (C>G on the coding strand, the complement: MYL2 is on the minus strand). VCF-style: chr12-110911099-G-C. GRCh37 (hg19) VCF-style: chr12-111348903-G-C.
Other names: short protein forms T160S.
Identifiers: ClinVar variation 950065 (VCV000950065.16), dbSNP rs2071647980, ClinGen allele CA386696724.